The following is an entry in ClinVar:

NM_000465.4(BARD1):c.659T>C (p.Leu220Ser)

Gene: BARD1 (BRCA1 associated RING domain 1; minus strand). Cytogenetic location: 2q35.
Variant type: single nucleotide variant.
Coding change: c.659T>C on transcript NM_000465.4 (MANE Select); coding-DNA position 659, T replaced by C.
Protein change: p.Leu220Ser; replaces leucine 220 with serine.
Molecular consequence: missense variant. On other transcripts: non-coding transcript variant (2), intron variant (3).
Genome position (GRCh38, 1-based): chr2:214,781,215, A>G on the plus strand (T>C on the coding strand, the complement: BARD1 is on the minus strand). VCF-style: chr2-214781215-A-G. GRCh37 (hg19) VCF-style: chr2-215645939-A-G.
Other names: p.L220S:TTA>TCA; c.602T>C, p.Leu201Ser (NM_001282543.2); c.158+28197T>C (NM_001282548.2); c.215+15846T>C (NM_001282545.2); c.364+11082T>C (NM_001282549.2); short protein forms L220S, L201S.
Identifiers: ClinVar variation 142225 (VCV000142225.94), dbSNP rs138593305, ClinGen allele CA333244.

ClinVar aggregate classification (germline): Conflicting classifications of pathogenicity. Review status: criteria provided, conflicting classifications (1 of 4 stars). 18 submissions from 18 submitters: Uncertain significance (15); Likely benign (2). 1 of the submissions does not count toward it. Last evaluated 2026-08-29.

Conditions:
BARD1-related disorder. Also called: BARD1-related condition.
Hereditary cancer-predisposing syndrome. Also called: Tumor predisposition; Hereditary neoplastic syndrome; Hereditary Cancer Syndrome; Neoplastic Syndromes, Hereditary. Identifiers: Orphanet 140162, MedGen C0027672, MeSH D009386, MONDO:0015356.
Familial cancer of breast. Also called: Hereditary breast cancer; hereditary breast carcinoma; BREAST CANCER, FAMILIAL. Identifiers: Orphanet 227535, MedGen C0346153, MONDO:0016419, OMIM 114480. Disease mechanism: loss of function.
Malignant tumor of breast. Also called: Cancer breast; Malignant breast neoplasm. Identifiers: MedGen C0006142, MONDO:0007254. Disease mechanism: loss of function.

Allele frequency attached by ClinVar (database versions not stated): ExAC 0.00010; gnomAD 0.00013; TOPMed 0.00016; ESP Exome Variant Server 0.00031.
gnomAD v4.1: 246 of 1,592,980 alleles (0.015%); highest among the groups gnomAD compares: Non-Finnish European, 0.019%; 1 homozygote.

Submissions 1 to 13 of 18:

PreventionGenetics, part of Exact Sciences
Classification: Uncertain significance for BARD1-related condition. Last evaluated: 2026-08-29. Review status: criteria provided, single submitter. Criteria: ACMG Guidelines, 2015. Collection method: clinical testing. Allele origin: germline.
Comment: The BARD1 c.659T>C variant is predicted to result in the amino acid substitution p.Leu220Ser. This variant has been reported in individuals with ovarian cancer as well as in controls (Ramus et al 2015. PubMed ID: 26315354, Supplementary Table 4) and in breast cancer cases and controls (Breast Cancer Association Consortium et al. 2021. PubMed ID: 33471991). This variant has also been reported in an individual with glioma (Zhang et al 2015. PubMed ID: 26580448, Supplementary Table S4c). In the gnomAD public population database this variant has been reported in up to 0.018 % of alleles in a subpopulation and has conflicting interpretations regarding its pathogenicity in ClinVar, ranging from likely benign to a variant of uncertain significance (Variation ID: 142225). At this time, the clinical significance of this variant is uncertain due to the absence of conclusive functional and genetic evidence.

Labcorp Genetics (formerly Invitae), Labcorp
Classification: Uncertain significance for Familial cancer of breast. Last evaluated: 2026-01-20. Review status: criteria provided, single submitter. Criteria: Invitae Variant Classification Sherloc (09022015). Collection method: clinical testing. Allele origin: germline.
Comment: This sequence change replaces leucine, which is neutral and non-polar, with serine, which is neutral and polar, at codon 220 of the BARD1 protein (p.Leu220Ser). This variant is present in population databases (rs138593305, gnomAD 0.02%). This missense change has been observed in individual(s) with breast and/or ovarian cancer and brain tumor (PMID: 26315354, 26580448, 28301456, 36187937, 38153744). ClinVar contains an entry for this variant (Variation ID: 142225). An algorithm developed to predict the effect of missense changes on protein structure and function outputs the following: PolyPhen-2: "Benign". The serine amino acid residue is found in multiple mammalian species, which suggests that this missense change does not adversely affect protein function. In summary, the available evidence is currently insufficient to determine the role of this variant in disease. Therefore, it has been classified as a Variant of Uncertain Significance.

Center for Genomic Medicine, Rigshospitalet, Copenhagen University Hospital
Classification: Uncertain significance. Last evaluated: 2025-12-29. Review status: criteria provided, single submitter. Criteria: ACMG Guidelines, 2015. Collection method: clinical testing. Allele origin: germline.

Quest Diagnostics Nichols Institute San Juan Capistrano
Classification: Uncertain significance. Last evaluated: 2025-10-23. Review status: criteria provided, single submitter. Criteria: Quest Diagnostics criteria. Collection method: clinical testing. Allele origin: unknown.
Comment: The BARD1 c.659T>C (p.Leu220Ser) variant has been reported in the published literature in individuals with a personal and/or family history of breast and/or ovarian cancer (PMIDs: 32885271 (2021), 33471991 (2021), see also LOVD, 28301456 (2017), 26315354 (2015)). In addition, this variant has been reported in individuals diagnosed with brain cancer (PMIDs: 36187937 (2022), 26580448 (2015)) as well as in reportedly unaffected individuals (Flossies, PMIDs: 33471991 (2021), see also LOVD, 26315354 (2015)). The frequency of this variant in the general population (Genome Aggregation Database) is uninformative in the assessment of its pathogenicity. Analysis of this variant using bioinformatics tools for the prediction of the effect of amino acid changes on protein structure and function yielded predictions that this variant is benign. Based on the available information, we are unable to determine the clinical significance of this variant.

Ambry Genetics
Classification: Uncertain significance for Hereditary cancer-predisposing syndrome. Last evaluated: 2025-08-09. Review status: criteria provided, single submitter. Criteria: Ambry Variant Classification Scheme 2023. Collection method: clinical testing. Allele origin: germline.

GeneDx
Classification: Uncertain significance. Last evaluated: 2025-04-18. Review status: criteria provided, single submitter. Criteria: GeneDx Variant Classification Process June 2021. Collection method: clinical testing. Allele origin: germline. Affected: yes.
Comment: In silico analysis indicates that this missense variant does not alter protein structure/function; Observed in individuals with brain cancer, breast cancer, and/or ovarian cancer, and in unaffected controls in a breast cancer study (PMID: 26315354, 26580448, 28301456, 32885271, 33471991); This variant is associated with the following publications: (PMID: 28301456, 26315354, 23056176, 21796119, 26580448, Maurer_2022, 32885271, 33471991, 38153744)

Color Diagnostics, LLC DBA Color Health
Classification: Likely benign for Hereditary cancer-predisposing syndrome. Last evaluated: 2024-09-19. Review status: criteria provided, single submitter. Criteria: ACMG Guidelines, 2015. Collection method: clinical testing. Allele origin: germline.

Myriad Genetics, Inc.
Classification: Likely benign for Familial cancer of breast. Last evaluated: 2024-07-22. Review status: criteria provided, single submitter. Criteria: Myriad Autosomal Dominant, Autosomal Recessive and X-Linked Classification Criteria (2023). Collection method: clinical testing. Allele origin: unknown.
Comment: This variant is considered likely benign. This variant is strongly associated with less severe personal and family histories of cancer, typical for individuals without pathogenic variants in this gene [PMID: 25085752].

Institute for Biomarker Research, Medical Diagnostic Laboratories, L.L.C.
Classification: Uncertain significance for Hereditary cancer-predisposing syndrome. Last evaluated: 2024-06-11. Review status: criteria provided, single submitter. Criteria: ACMG Guidelines, 2015. Collection method: clinical testing. Allele origin: germline.

Blueprint Genetics
Classification: Uncertain significance. Last evaluated: 2024-03-26. Review status: criteria provided, single submitter. Criteria: ACMG Guidelines, 2015. Collection method: clinical testing. Allele origin: germline.

Baylor Genetics
Classification: Uncertain significance for Familial cancer of breast. Last evaluated: 2024-03-25. Review status: criteria provided, single submitter. Criteria: ACMG Guidelines, 2015. Collection method: clinical testing. Allele origin: unknown.

Fulgent Genetics
Classification: Uncertain significance for Familial cancer of breast. Last evaluated: 2024-03-17. Review status: criteria provided, single submitter. Criteria: ACMG Guidelines, 2015. Collection method: clinical testing. Allele origin: germline.

St. Jude Molecular Pathology, St. Jude Children's Research Hospital
Classification: Uncertain significance for Familial cancer of breast. Last evaluated: 2023-11-13. Review status: criteria provided, single submitter. Criteria: St. Jude Assertion Criteria 2020. Collection method: clinical testing. Allele origin: germline.
Comment: The BARD1 c.659T>C (p.Leu220Ser) missense change has a maximum non-founder subpopulation frequency of 0.018% in gnomAD v2.1.1. The in silico tool REVEL predicts a benign effect on protein function, but this prediction has not been confirmed by functional studies. This variant has been reported in a large case-control study of breast cancer in 24 of 60466 and 10 of 53461 controls (PMID: 33471991), and in a smaller case-control study of ovarian cancer in 2 of 3236 cases and 1 of 3431 controls (PMID: 26315354). This variant has also been reported in individuals with breast cancer and high-grade glioma (PMID: 28301456, 26580448). This variant is present in three individuals in a database of women older than 70 years of age who have never had cancer (FLOSSIES database). In summary, the evidence currently available is insufficient to determine the clinical significance of this variant. It has therefore been classified as of uncertain significance.